The following is an entry in ClinVar:

ClinVar aggregate classification (germline): Likely benign (1 of 4 stars; one submission).

Allele frequency attached by ClinVar (database versions not stated): gnomAD 0.00001; ExAC 0.00001; 1000 Genomes Project 0.00020; 1000 Genomes Project 30x 0.00031; gnomAD exomes 0.00001.
gnomAD v4.1: 10 of 1,610,904 alleles (0.00062%); highest among the groups gnomAD compares: East Asian, 0.0022%; no homozygotes.

Submission:

GeneDx
Classification: Likely benign. Last evaluated: 2016-01-04. Review status: criteria provided, single submitter. Criteria: GeneDx Variant Classification (06012015). Collection method: clinical testing. Allele origin: germline. Affected: yes.
Comment: This variant is considered likely benign or benign based on one or more of the following criteria: it is a conservative change, it occurs at a poorly conserved position in the protein, it is predicted to be benign by multiple in silico algorithms, and/or has population frequency not consistent with disease.

NM_203447.4(DOCK8):c.2346C>T (p.Ser782=)

Gene: DOCK8 (dedicator of cytokinesis 8; plus strand). Cytogenetic location: 9p24.3.
Variant type: single nucleotide variant.
Coding change: c.2346C>T on transcript NM_203447.4 (MANE Select); coding-DNA position 2346, C replaced by T.
Protein change: p.Ser782=; no amino-acid change (serine 782 retained).
Molecular consequence: synonymous variant.
Genome position (GRCh38, 1-based): chr9:377,117, C>T. VCF-style: chr9-377117-C-T. GRCh37 (hg19) VCF-style: chr9-377117-C-T.
Other names: c.2142C>T, p.Ser714= (NM_001190458.2, NM_001193536.2).
Identifiers: ClinVar variation 382566 (VCV000382566.1), dbSNP rs562630401, ClinGen allele CA4958170.